The following is an entry in ClinVar:

NM_007294.4(BRCA1):c.4310del (p.Ser1437fs)

Gene: BRCA1 (BRCA1 DNA repair associated; minus strand). Cytogenetic location: 17q21.31.
Variant type: Deletion.
Coding change: c.4310del on transcript NM_007294.4 (MANE Select); coding-DNA position 4310, one base deleted (C; older notation c.4310delC).
Protein change: p.Ser1437fs; shifts the reading frame from serine 1437.
Molecular consequence: frameshift variant. On other transcripts: non-coding transcript variant (1).
Genome position (GRCh38, 1-based): chr17:43,082,451, G deleted on the plus strand (C on the coding strand, the reverse complement: BRCA1 is on the minus strand). VCF-style (leftmost placement, unchanged base first): chr17-43082450-AG-A. GRCh37 (hg19) VCF-style: chr17-41234467-AG-A.
Other names: c.1001delC, p.Ser334Leufs (NM_001407978.1, NM_001407993.1, NM_007298.4 and 8 more transcripts); c.998delC, p.Ser333Leufs (NM_001407979.1, NM_001407980.1, NM_001407981.1 and 18 more transcripts); c.995delC, p.Ser332Leufs (NM_001408400.1, NM_001408401.1, NM_001408402.1 and 1 more transcripts); c.992delC, p.Ser331Leufs (NM_001408406.1, NM_001408408.1); c.923delC, p.Ser308Leufs (NM_001408409.1, NM_001408411.1, NM_001408412.1 and 2 more transcripts); c.860delC, p.Ser287Leufs (NM_001408410.1, NM_001408452.1, NM_001408453.1 and 8 more transcripts); c.920delC, p.Ser307Leufs (NM_001408413.1, NM_001408416.1); c.884delC, p.Ser295Leufs (NM_001408418.1, NM_001408419.1, NM_001408420.1 and 2 more transcripts); and 54 more; short protein forms S1390fs, S1437fs, S334fs.
Identifiers: ClinVar variation 431261 (VCV000431261.2), dbSNP rs1135401874, ClinGen allele CA645373146.

ClinVar aggregate classification (germline): Pathogenic. Review status: reviewed by expert panel (3 of 4 stars). 2 submissions from 2 submitters: Pathogenic (1). 1 of the submissions does not count toward it. Last evaluated 2017-12-15.

Conditions:
Hereditary breast ovarian cancer syndrome. Also called: Hereditary breast and ovarian cancer syndrome (HBOC); BRCA1- and BRCA2-Associated Hereditary Breast and Ovarian Cancer; Hereditary breast and/or ovarian cancer syndrome; Hereditary breast and ovarian cancer syndrome; Hereditary breast and ovarian cancer; Breast and ovarian cancer. Identifiers: Orphanet 145, MedGen C0677776, MeSH D061325, MONDO:0003582. Disease mechanism: loss of function.
Breast-ovarian cancer, familial, susceptibility to, 1 (BROVCA1). Also called: BRCA1 Hereditary Breast and Ovarian Cancer; OVARIAN CANCER, SUSCEPTIBILITY TO. Identifiers: Orphanet 145, MedGen C2676676, MONDO:0011450, OMIM 604370. Disease mechanism: loss of function.

Submissions (2):

Evidence-based Network for the Interpretation of Germline Mutant Alleles (ENIGMA)
Classification: Pathogenic for Breast-ovarian cancer, familial, susceptibility to, 1. Last evaluated: 2017-12-15. Review status: reviewed by expert panel. Criteria: ENIGMA BRCA1/2 Classification Criteria (2017-06-29). Collection method: curation. Allele origin: germline. Study: ENIGMA.
Comment: Variant allele predicted to encode a truncated non-functional protein.

Research Molecular Genetics Laboratory, Women's College Hospital, University of Toronto
Classification: Pathogenic for Hereditary breast ovarian cancer syndrome. Last evaluated: 2014-01-31. Review status: no assertion criteria provided. Collection method: research. Allele origin: germline. Affected: yes. Study: The Canadian Open Genetics Repository (COGR). Not counted in ClinVar's aggregate classification.